The following is an entry in ClinVar:

ClinVar aggregate classification (germline): Uncertain significance (1 of 4 stars; one submission).

Conditions:
Cystinuria (CSNU). Also called: CYSTINURIA, TYPE I; CYSTINURIA, TYPE II; CYSTINURIA, TYPE III; Cystinuria, non-type I. Identifiers: Orphanet 214, MedGen C0010691, MONDO:0009067, OMIM 220100, HP:0003131.

gnomAD v4.1: 2 of 1,611,356 alleles (0.00012%); highest among the groups gnomAD compares: Non-Finnish European, 0.000085%; no homozygotes.

Submission:

OLLIN Analises Genomicas, OLLIN
Classification: Uncertain significance for Cystinuria. Last evaluated: 2026-08-06. Review status: criteria provided, single submitter. Criteria: ACMG Guidelines 2015 PMID 25741868. Collection method: clinical testing. Allele origin: germline. Inheritance: Autosomal dominant inheritance.
Comment: This missense variant, located in exon 3 (of 10), has been observed in gnomAD with an allele frequency of 0.00012%, but has not been reported in ClinVar or identified in the literature. In silico analysis predicts that this variant has a deleterious effect. According to the currently available evidence, this variant has been classified as uncertain significance (PM2_P, PP3_M).

NM_000341.4(SLC3A1):c.611G>A (p.Gly204Asp)

Gene: SLC3A1 (solute carrier family 3 member 1; plus strand). Cytogenetic location: 2p21.
Variant type: single nucleotide variant.
Coding change: c.611G>A on transcript NM_000341.4 (MANE Select); coding-DNA position 611, G replaced by A.
Protein change: p.Gly204Asp; replaces glycine 204 with aspartic acid.
Molecular consequence: missense variant.
Genome position (GRCh38, 1-based): chr2:44,281,387, G>A. VCF-style: chr2-44281387-G-A. GRCh37 (hg19) VCF-style: chr2-44508526-G-A.
Other names: short protein forms G204D.
Identifiers: ClinVar variation 5003063 (VCV005003063.1).
Genomic context (GRCh38, chr2:44,281,387, plus strand): 5'-TGTCATATGTTATTCTAATACAATCTTTCCCTAGCATTTGAAATGTCTTTTACTCATTAG[G>A]TTTAAAATTAATCATCGATTTCATACCAAACCACACGAGTGATAAACATATTTGGTTTCA-3'
Protein context (NP_000332.2, residues 194-214): ENLVAAIHDK[Gly204Asp]LKLIIDFIPN